The following is an entry in ClinVar:

NM_001267550.2(TTN):c.46429+2T>C

Genes: TTN (titin; minus strand), TTN-AS1 (TTN antisense RNA 1; plus strand). Cytogenetic location: 2q31.2.
Variant type: single nucleotide variant.
Coding change: c.46429+2T>C on transcript NM_001267550.2 (MANE Select); the canonical splice donor site of the intron after coding-DNA position 46429, T replaced by C.
Molecular consequence: splice donor variant. On other transcripts: non-coding transcript variant (1).
Genome position (GRCh38, 1-based): chr2:178,619,986, A>G on the plus strand (T>C on the coding strand, the complement: TTN is on the minus strand). VCF-style: chr2-178619986-A-G. GRCh37 (hg19) VCF-style: chr2-179484713-A-G.
Other names: c.19234+2T>C (NM_003319.4); c.19810+2T>C (NM_133437.4); c.19609+2T>C (NM_133432.3); c.38725+2T>C (NM_133378.4); c.41506+2T>C (NM_001256850.1).
Identifiers: ClinVar variation 2944649 (VCV002944649.3), dbSNP rs1367341478, ClinGen allele CA349626530.

ClinVar aggregate classification (germline): Likely pathogenic (1 of 4 stars; one submission).

Conditions:
Dilated cardiomyopathy 1G (CMD1G). Identifiers: Orphanet 154, MedGen C1858763, MONDO:0011400, OMIM 604145.
Autosomal recessive limb-girdle muscular dystrophy type 2J (LGMDR10). Also called: Limb-girdle muscular dystrophy, type 2J; MUSCULAR DYSTROPHY, LIMB-GIRDLE, AUTOSOMAL RECESSIVE 10. Identifiers: Orphanet 140922, MedGen C1837342, MONDO:0012127, OMIM 608807.

Submission:

Labcorp Genetics (formerly Invitae), Labcorp
Classification: Likely pathogenic for Dilated cardiomyopathy 1G; Autosomal recessive limb-girdle muscular dystrophy type 2J. Last evaluated: 2024-10-18. Review status: criteria provided, single submitter. Criteria: Invitae Variant Classification Sherloc (09022015). Collection method: clinical testing. Allele origin: germline.
Comment: This sequence change affects a donor splice site in intron 249 of the TTN gene. It is expected to disrupt RNA splicing and likely results in a truncated or disrupted TTN protein. This variant is not present in population databases (gnomAD no frequency). This variant has not been observed in the literature in individuals with autosomal recessive TTN-related conditions. This variant has been reported in individual(s) with dilated cardiomyopathy (internal data); however, the role of the variant in this condition is currently unclear. Algorithms developed to predict the effect of sequence changes on RNA splicing suggest that this variant may disrupt the consensus splice site. This variant is located in the I band of TTN (PMID: 25589632). Truncating variants in this region have been reported in individuals affected with autosomal recessive centronuclear myopathy (PMID: 23975875, internal data). Truncating variants in this region have also been identified in individuals affected with autosomal dominant dilated cardiomyopathy and/or cardio-related conditions (PMID: 27869827, 32964742, internal data). In summary, the currently available evidence indicates that the variant is pathogenic, but additional data are needed to prove that conclusively. Therefore, this variant has been classified as Likely Pathogenic.

Literature cited by the submitters: PubMed 25589632; PubMed 23975875; PubMed 27869827; PubMed 32964742.